The following is an entry in ClinVar:

ClinVar aggregate classification (germline): Uncertain significance (1 of 4 stars; one submission).

Submission:

GeneDx
Classification: Uncertain significance. Last evaluated: 2024-05-28. Review status: criteria provided, single submitter. Criteria: GeneDx Variant Classification Process June 2021. Collection method: clinical testing. Allele origin: germline. Affected: yes.
Comment: Not observed at significant frequency in large population cohorts (gnomAD); In silico analysis indicates that this missense variant does not alter protein structure/function; Has not been previously published as pathogenic or benign to our knowledge

NM_002055.5(GFAP):c.323A>G (p.Glu108Gly)

Gene: GFAP (glial fibrillary acidic protein; minus strand). Cytogenetic location: 17q21.31.
Variant type: single nucleotide variant.
Coding change: c.323A>G on transcript NM_002055.5 (MANE Select); coding-DNA position 323, A replaced by G.
Protein change: p.Glu108Gly; replaces glutamic acid 108 with glycine.
Molecular consequence: missense variant.
Genome position (GRCh38, 1-based): chr17:44,915,164, T>C on the plus strand (A>G on the coding strand, the complement: GFAP is on the minus strand). VCF-style: chr17-44915164-T-C. GRCh37 (hg19) VCF-style: chr17-42992532-T-C.
Other names: c.323A>G, p.Glu108Gly (NM_001131019.3, NM_001242376.3, NM_001363846.2); short protein forms E108G.
Identifiers: ClinVar variation 3383712 (VCV003383712.1).